The following is an entry in ClinVar:

NM_033026.6(PCLO):c.2611A>G (p.Met871Val)

Gene: PCLO (piccolo presynaptic cytomatrix protein; minus strand). Cytogenetic location: 7q21.11.
Variant type: single nucleotide variant.
Coding change: c.2611A>G on transcript NM_033026.6 (MANE Select); coding-DNA position 2611, A replaced by G.
Protein change: p.Met871Val; replaces methionine 871 with valine.
Molecular consequence: missense variant.
Genome position (GRCh38, 1-based): chr7:83,134,939, T>C on the plus strand (A>G on the coding strand, the complement: PCLO is on the minus strand). VCF-style: chr7-83134939-T-C. GRCh37 (hg19) VCF-style: chr7-82764255-T-C.
Other names: c.2611A>G, p.Met871Val (NM_014510.3); short protein forms M871V.
Identifiers: ClinVar variation 2015950 (VCV002015950.4), dbSNP rs1791680810, ClinGen allele CA367899488.
Genomic context (GRCh38, chr7:83,134,939, plus strand): 5'-TGGGGACAGTTTGGCCAGCGGTAGGTCGTGGGCCAGGGGGTGTTGGTGACCCTTTTGGCA[T>C]TGGCTTGGCATCTGGTTTAGGACTCATTTTGGTTTGTGCTTTCTTGGGTTCTTCCTTCTT-3'
Protein context (NP_149015.2, residues 861-881): KMSPKPDAKP[Met871Val]PKGSPTPPGP

ClinVar aggregate classification (germline): Uncertain significance (1 of 4 stars; one submission).

Allele frequency attached by ClinVar (database versions not stated): gnomAD exomes below 0.00001; gnomAD 0.00001.
gnomAD v4.1: 2 of 1,607,264 alleles (0.00012%); highest among the groups gnomAD compares: African/African-American, 0.0013%; no homozygotes.

Submission:

Labcorp Genetics (formerly Invitae), Labcorp
Classification: Uncertain significance. Last evaluated: 2022-07-11. Review status: criteria provided, single submitter. Criteria: Invitae Variant Classification Sherloc (09022015). Collection method: clinical testing. Allele origin: germline.
Comment: In summary, the available evidence is currently insufficient to determine the role of this variant in disease. Therefore, it has been classified as a Variant of Uncertain Significance. Algorithms developed to predict the effect of missense changes on protein structure and function output the following: SIFT: "Tolerated"; PolyPhen-2: "Not Available"; Align-GVGD: "Class C0". The valine amino acid residue is found in multiple mammalian species, which suggests that this missense change does not adversely affect protein function. This variant has not been reported in the literature in individuals affected with PCLO-related conditions. This variant is not present in population databases (gnomAD no frequency). This sequence change replaces methionine, which is neutral and non-polar, with valine, which is neutral and non-polar, at codon 871 of the PCLO protein (p.Met871Val).